The following is an entry in ClinVar:

NM_015450.3(POT1):c.809G>C (p.Ser270Thr)

Gene: POT1 (protection of telomeres 1; minus strand). Cytogenetic location: 7q31.33.
Variant type: single nucleotide variant.
Coding change: c.809G>C on transcript NM_015450.3 (MANE Select); coding-DNA position 809, G replaced by C.
Protein change: p.Ser270Thr; replaces serine 270 with threonine.
Molecular consequence: missense variant. On other transcripts: non-coding transcript variant (3).
Genome position (GRCh38, 1-based): chr7:124,853,032, C>G on the plus strand (G>C on the coding strand, the complement: POT1 is on the minus strand). VCF-style: chr7-124853032-C-G. GRCh37 (hg19) VCF-style: chr7-124493086-C-G.
Other names: c.416G>C, p.Ser139Thr (NM_001042594.2); short protein forms S139T, S270T.
Identifiers: ClinVar variation 2726051 (VCV002726051.3), dbSNP rs587777477, ClinGen allele CA369055371.

ClinVar aggregate classification (germline): Uncertain significance (1 of 4 stars; one submission).

Conditions:
Tumor predisposition syndrome 3 (TPDS3). Also called: Glioma susceptibility 9; Melanoma, cutaneous malignant, susceptibility to, 10; LONG TELOMERE SYNDROME, POT1-RELATED; POT1 Tumor Predisposition. Identifiers: Orphanet 618, MedGen C4014476, MONDO:0014368, OMIM 615848.

Submission:

Labcorp Genetics (formerly Invitae), Labcorp
Classification: Uncertain significance for Tumor predisposition syndrome 3. Last evaluated: 2023-05-27. Review status: criteria provided, single submitter. Criteria: Invitae Variant Classification Sherloc (09022015). Collection method: clinical testing. Allele origin: germline.
Comment: In summary, the available evidence is currently insufficient to determine the role of this variant in disease. Therefore, it has been classified as a Variant of Uncertain Significance. This variant disrupts the p.Ser270 amino acid residue in POT1. Other variant(s) that disrupt this residue have been determined to be pathogenic (PMID: 24686846, 27869160). This suggests that this residue is clinically significant, and that variants that disrupt this residue are likely to be disease-causing. Advanced modeling of protein sequence and biophysical properties (such as structural, functional, and spatial information, amino acid conservation, physicochemical variation, residue mobility, and thermodynamic stability) performed at Invitae indicates that this missense variant is not expected to disrupt POT1 protein function. This variant has not been reported in the literature in individuals affected with POT1-related conditions. This variant is not present in population databases (gnomAD no frequency). This sequence change replaces serine, which is neutral and polar, with threonine, which is neutral and polar, at codon 270 of the POT1 protein (p.Ser270Thr).

Literature cited by the submitters: PubMed 24686846; PubMed 27869160.